The following is an entry in ClinVar:

ClinVar aggregate classification (germline): Pathogenic (1 of 4 stars; one submission).

Submission:

Labcorp Genetics (formerly Invitae), Labcorp
Classification: Pathogenic. Last evaluated: 2024-11-11. Review status: criteria provided, single submitter. Criteria: Invitae Variant Classification Sherloc (09022015). Collection method: clinical testing. Allele origin: germline.
Comment: This sequence change creates a premature translational stop signal (p.Arg596Serfs*7) in the SI gene. It is expected to result in an absent or disrupted protein product. Loss-of-function variants in SI are known to be pathogenic (PMID: 16329100, 23103650, 25452324). This variant is not present in population databases (gnomAD no frequency). This variant has not been reported in the literature in individuals affected with SI-related conditions. For these reasons, this variant has been classified as Pathogenic.

Literature cited by the submitters: PubMed 16329100; PubMed 23103650; PubMed 25452324.

NM_001041.4(SI):c.1788del (p.Arg596fs)

Gene: SI (sucrase-isomaltase; minus strand). Cytogenetic location: 3q26.1.
Variant type: Deletion.
Coding change: c.1788del on transcript NM_001041.4 (MANE Select); coding-DNA position 1788, one base deleted (A; older notation c.1788delA).
Protein change: p.Arg596fs; shifts the reading frame from arginine 596.
Molecular consequence: frameshift variant.
Genome position (GRCh38, 1-based): chr3:165,046,940, T deleted on the plus strand (A on the coding strand, the reverse complement: SI is on the minus strand). VCF-style (leftmost placement, unchanged base first): chr3-165046939-GT-G. GRCh37 (hg19) VCF-style: chr3-164764727-GT-G.
Other names: short protein forms R596fs.
Identifiers: ClinVar variation 3685833 (VCV003685833.2).